The following is an entry in ClinVar:

ClinVar aggregate classification (germline): Uncertain significance (1 of 4 stars; one submission).

Conditions:
Paroxysmal nonkinesigenic dyskinesia. Also called: Paroxysmal non-kinesigenic dyskinesia. Identifiers: Orphanet 98810, MedGen C1869117, MONDO:0700088.

Allele frequency attached by ClinVar (database versions not stated): gnomAD exomes below 0.00001; ExAC 0.00001; gnomAD 0.00001; TOPMed 0.00002.
gnomAD v4.1: 2 of 1,612,518 alleles (0.00012%); highest among the groups gnomAD compares: African/African-American, 0.0027%; no homozygotes.

Submission:

Labcorp Genetics (formerly Invitae), Labcorp
Classification: Uncertain significance for Paroxysmal nonkinesigenic dyskinesia. Last evaluated: 2025-12-05. Review status: criteria provided, single submitter. Criteria: Invitae Variant Classification Sherloc (09022015). Collection method: clinical testing. Allele origin: germline.
Comment: This sequence change replaces glutamine, which is neutral and polar, with lysine, which is basic and polar, at codon 231 of the PNKD protein (p.Gln231Lys). This variant is present in population databases (rs781010423, gnomAD 0.007%). This variant has not been reported in the literature in individuals affected with PNKD-related conditions. ClinVar contains an entry for this variant (Variation ID: 1059131). Invitae Evidence Modeling of protein sequence and biophysical properties (such as structural, functional, and spatial information, amino acid conservation, physicochemical variation, residue mobility, and thermodynamic stability) indicates that this missense variant is not expected to disrupt PNKD protein function with a negative predictive value of 80%. In summary, the available evidence is currently insufficient to determine the role of this variant in disease. Therefore, it has been classified as a Variant of Uncertain Significance.

NM_015488.5(PNKD):c.691C>A (p.Gln231Lys)

Genes: CATIP-AS2 (CATIP antisense RNA 2; minus strand), PNKD (PNKD metallo-beta-lactamase domain containing; plus strand). Cytogenetic location: 2q35.
Variant type: single nucleotide variant.
Coding change: c.691C>A on transcript NM_015488.5 (MANE Select); coding-DNA position 691, C replaced by A.
Protein change: p.Gln231Lys; replaces glutamine 231 with lysine.
Molecular consequence: missense variant.
Genome position (GRCh38, 1-based): chr2:218,342,054, C>A. VCF-style: chr2-218342054-C-A. GRCh37 (hg19) VCF-style: chr2-219206777-C-A.
Other names: c.619C>A, p.Gln207Lys (NM_022572.5); short protein forms Q207K, Q231K.
Identifiers: ClinVar variation 1059131 (VCV001059131.7), dbSNP rs781010423, ClinGen allele CA2104063.